The following is an entry in ClinVar:

ClinVar aggregate classification (germline): Pathogenic/Likely pathogenic. Review status: criteria provided, multiple submitters, no conflicts (2 of 4 stars). 2 submissions from 2 submitters: Pathogenic (1); Likely pathogenic (1). Last evaluated 2025-12-30.

Conditions:
AIRE-related disorder. Also called: AIRE-related condition.
Polyglandular autoimmune syndrome, type 1 (APS1). Also called: AUTOIMMUNE POLYENDOCRINE SYNDROME, TYPE I, WITH OR WITHOUT REVERSIBLE METAPHYSEAL DYSPLASIA; APS I; Whitaker syndrome; HYPOADRENOCORTICISM WITH HYPOPARATHYROIDISM AND SUPERFICIAL MONILIASIS; Autoimmune polyendocrinopathy syndrome, type I; Autoimmune polyendocrinopathy syndrome , type I, with or without reversible metaphyseal dysplasia. Identifiers: Orphanet 3453, MedGen C0085859, MONDO:0009411, OMIM 240300.

Submissions (2):

PreventionGenetics, part of Exact Sciences
Classification: Likely pathogenic for AIRE-related condition. Last evaluated: 2025-12-30. Review status: criteria provided, single submitter. Criteria: ACMG Guidelines, 2015. Collection method: clinical testing. Allele origin: germline.
Comment: The AIRE c.489delC variant is predicted to result in a frameshift and premature protein termination (p.Lys164Argfs*214). To our knowledge, this variant has not been reported in the literature or in a large population database (gnomAD), indicating this variant is rare. Frameshift variants in AIRE are expected to be pathogenic. This variant is interpreted as likely pathogenic.

Labcorp Genetics (formerly Invitae), Labcorp
Classification: Pathogenic for Polyglandular autoimmune syndrome, type 1. Last evaluated: 2021-10-21. Review status: criteria provided, single submitter. Criteria: Invitae Variant Classification Sherloc (09022015). Collection method: clinical testing. Allele origin: germline.
Comment: This sequence change creates a premature translational stop signal (p.Lys164Argfs*214) in the AIRE gene. It is expected to result in an absent or disrupted protein product. This variant is not present in population databases (ExAC no frequency). This variant has not been reported in the literature in individuals with AIRE-related conditions. Loss-of-function variants in AIRE are known to be pathogenic (PMID: 11524731, 26141571). For these reasons, this variant has been classified as Pathogenic.

Literature cited by the submitters: PubMed 11524731 (cited by Labcorp Genetics (formerly Invitae), Labcorp); PubMed 26141571 (cited by Labcorp Genetics (formerly Invitae), Labcorp).

NM_000383.4(AIRE):c.489del (p.Lys164fs)

Gene: AIRE (autoimmune regulator; plus strand). Cytogenetic location: 21q22.3.
Variant type: Deletion.
Coding change: c.489del on transcript NM_000383.4 (MANE Select); coding-DNA position 489, one base deleted (C; older notation c.489delC).
Protein change: p.Lys164fs; shifts the reading frame from lysine 164.
Molecular consequence: frameshift variant.
Genome position (GRCh38, 1-based): chr21:44,287,542, C deleted; the last of 6 consecutive C bases (chr21:44,287,537-44,287,542); deleting any one gives the same sequence. VCF-style (leftmost placement, unchanged base first): chr21-44287536-GC-G. GRCh37 (hg19) VCF-style: chr21-45707419-GC-G.
Other names: c.489delC (NM_000383.3); short protein forms K164fs.
Identifiers: ClinVar variation 1075365 (VCV001075365.8), dbSNP rs746101086, ClinGen allele CA2391565674.